The following is an entry in ClinVar:

NM_001197104.2(KMT2A):c.352G>A (p.Val118Ile)

Gene: KMT2A (lysine methyltransferase 2A; plus strand). Cytogenetic location: 11q23.3.
Variant type: single nucleotide variant.
Coding change: c.352G>A on transcript NM_001197104.2 (MANE Select); coding-DNA position 352, G replaced by A.
Protein change: p.Val118Ile; replaces valine 118 with isoleucine.
Molecular consequence: missense variant.
Genome position (GRCh38, 1-based): chr11:118,436,864, G>A. VCF-style: chr11-118436864-G-A. GRCh37 (hg19) VCF-style: chr11-118307579-G-A.
Other names: c.352G>A, p.Val118Ile (NM_001412597.1, NM_005933.4); short protein forms V118I.
Identifiers: ClinVar variation 1974534 (VCV001974534.5), dbSNP rs782371906, ClinGen allele CA382798382.

ClinVar aggregate classification (germline): Uncertain significance (1 of 4 stars; one submission).

Allele frequency attached by ClinVar (database versions not stated): gnomAD exomes below 0.00001.
gnomAD v4.1: 2 of 1,597,712 alleles (0.00013%); highest among the groups gnomAD compares: East Asian, 0.0045%; no homozygotes.

Submission:

Labcorp Genetics (formerly Invitae), Labcorp
Classification: Uncertain significance. Last evaluated: 2025-11-03. Review status: criteria provided, single submitter. Criteria: Invitae Variant Classification Sherloc (09022015). Collection method: clinical testing. Allele origin: germline.
Comment: This sequence change replaces valine, which is neutral and non-polar, with isoleucine, which is neutral and non-polar, at codon 118 of the KMT2A protein (p.Val118Ile). This variant is not present in population databases (gnomAD no frequency). This variant has not been reported in the literature in individuals affected with KMT2A-related conditions. ClinVar contains an entry for this variant (Variation ID: 1974534). Invitae Evidence Modeling of protein sequence and biophysical properties (such as structural, functional, and spatial information, amino acid conservation, physicochemical variation, residue mobility, and thermodynamic stability) indicates that this missense variant is not expected to disrupt KMT2A protein function with a negative predictive value of 95%. In summary, the available evidence is currently insufficient to determine the role of this variant in disease. Therefore, it has been classified as a Variant of Uncertain Significance.